The following is an entry in ClinVar:

NM_015378.4(VPS13D):c.5704G>A (p.Val1902Ile)

Gene: VPS13D (vacuolar protein sorting 13 homolog D; plus strand). Cytogenetic location: 1p36.22.
Variant type: single nucleotide variant.
Coding change: c.5704G>A on transcript NM_015378.4 (MANE Select); coding-DNA position 5704, G replaced by A.
Protein change: p.Val1902Ile; replaces valine 1902 with isoleucine.
Molecular consequence: missense variant.
Genome position (GRCh38, 1-based): chr1:12,288,292, G>A. VCF-style: chr1-12288292-G-A. GRCh37 (hg19) VCF-style: chr1-12348349-G-A.
Other names: c.5704G>A, p.Val1902Ile (NM_018156.4); short protein forms V1902I.
Identifiers: ClinVar variation 1916113 (VCV001916113.5), dbSNP rs2524078562, ClinGen allele CA338485879.

ClinVar aggregate classification (germline): Uncertain significance (1 of 4 stars; one submission).

Submission:

Labcorp Genetics (formerly Invitae), Labcorp
Classification: Uncertain significance. Last evaluated: 2022-06-10. Review status: criteria provided, single submitter. Criteria: Invitae Variant Classification Sherloc (09022015). Collection method: clinical testing. Allele origin: germline.
Comment: This sequence change replaces valine, which is neutral and non-polar, with isoleucine, which is neutral and non-polar, at codon 1902 of the VPS13D protein (p.Val1902Ile). This variant is not present in population databases (gnomAD no frequency). This variant has not been reported in the literature in individuals affected with VPS13D-related conditions. Algorithms developed to predict the effect of missense changes on protein structure and function are either unavailable or do not agree on the potential impact of this missense change (SIFT: "Not Available"; PolyPhen-2: "Benign"; Align-GVGD: "Not Available"). In summary, the available evidence is currently insufficient to determine the role of this variant in disease. Therefore, it has been classified as a Variant of Uncertain Significance.